The following is an entry in ClinVar:

NM_000038.6(APC):c.7945C>T (p.Pro2649Ser)

Gene: APC (APC regulator of Wnt signaling pathway; plus strand). Cytogenetic location: 5q22.2.
Variant type: single nucleotide variant.
Coding change: c.7945C>T on transcript NM_000038.6 (MANE Select); coding-DNA position 7945, C replaced by T.
Protein change: p.Pro2649Ser; replaces proline 2649 with serine.
Molecular consequence: missense variant.
Genome position (GRCh38, 1-based): chr5:112,843,539, C>T. VCF-style: chr5-112843539-C-T. GRCh37 (hg19) VCF-style: chr5-112179236-C-T.
Other names: c.7945C>T, p.Pro2649Ser (NM_001127510.3, NM_001354895.2); c.7891C>T, p.Pro2631Ser (NM_001127511.3); c.7999C>T, p.Pro2667Ser (NM_001354896.2); c.7975C>T, p.Pro2659Ser (NM_001354897.2); c.7870C>T, p.Pro2624Ser (NM_001354898.2); c.7861C>T, p.Pro2621Ser (NM_001354899.2); c.7822C>T, p.Pro2608Ser (NM_001354900.2); c.7768C>T, p.Pro2590Ser (NM_001354901.2); and 5 more; short protein forms P2631S, P2649S, P2366S, P2523S, P2558S, P2608S, P2489S, P2621S.
Identifiers: ClinVar variation 219776 (VCV000219776.16), dbSNP rs864622245, ClinGen allele CA348468.
Genomic context (GRCh38, chr5:112,843,539, plus strand): 5'-ACCGTTTCCTCAGGTGCTACAAATGGTGCTGAATCAAAGACTCTAATTTATCAAATGGCA[C>T]CTGCTGTTTCTAAAACAGAGGATGTTTGGGTGAGAATTGAGGACTGTCCCATTAACAATC-3'
Protein context (NP_000029.2, residues 2639-2659): ESKTLIYQMA[Pro2649Ser]AVSKTEDVWV

ClinVar aggregate classification (germline): Uncertain significance. Review status: criteria provided, multiple submitters, no conflicts (2 of 4 stars). 6 submissions from 6 submitters: Uncertain significance (5). 1 of the submissions does not count toward it. Last evaluated 2025-07-08.

Conditions:
Hereditary cancer-predisposing syndrome. Also called: Hereditary neoplastic syndrome; Tumor predisposition; Hereditary Cancer Syndrome; Neoplastic Syndromes, Hereditary. Identifiers: Orphanet 140162, MedGen C0027672, MeSH D009386, MONDO:0015356.
Familial adenomatous polyposis 1 (FAP1). Also called: FAMILIAL ADENOMATOUS POLYPOSIS 1, ATTENUATED; POLYPOSIS, ADENOMATOUS INTESTINAL. Identifiers: MedGen C2713442, MONDO:0021056, OMIM 175100. Disease mechanism: loss of function.

Allele frequency attached by ClinVar (database versions not stated): gnomAD exomes 0.00001.

Submissions (6):

Color Diagnostics, LLC DBA Color Health
Classification: Uncertain significance for Hereditary cancer-predisposing syndrome. Last evaluated: 2025-07-08. Review status: criteria provided, single submitter. Criteria: ACMG Guidelines, 2015. Collection method: clinical testing. Allele origin: germline.
Comment: This missense variant replaces proline with serine at codon 2649 of the APC protein. Computational prediction suggests that this variant may not impact protein structure and function. To our knowledge, functional studies have not been reported for this variant. This variant has not been reported in individuals affected with APC-related disorders in the literature. This variant has not been identified in the general population by the Genome Aggregation Database (gnomAD). The available evidence is insufficient to determine the role of this variant in disease conclusively. Therefore, this variant is classified as a Variant of Uncertain Significance.

Labcorp Genetics (formerly Invitae), Labcorp
Classification: Uncertain significance for Familial adenomatous polyposis 1. Last evaluated: 2025-04-07. Review status: criteria provided, single submitter. Criteria: Invitae Variant Classification Sherloc (09022015). Collection method: clinical testing. Allele origin: germline.
Comment: This sequence change replaces proline, which is neutral and non-polar, with serine, which is neutral and polar, at codon 2649 of the APC protein (p.Pro2649Ser). This variant is not present in population databases (gnomAD no frequency). This variant has not been reported in the literature in individuals affected with APC-related conditions. ClinVar contains an entry for this variant (Variation ID: 219776). Invitae Evidence Modeling of protein sequence and biophysical properties (such as structural, functional, and spatial information, amino acid conservation, physicochemical variation, residue mobility, and thermodynamic stability) indicates that this missense variant is not expected to disrupt APC protein function with a negative predictive value of 95%. In summary, the available evidence is currently insufficient to determine the role of this variant in disease. Therefore, it has been classified as a Variant of Uncertain Significance.

Ambry Genetics
Classification: Uncertain significance for Hereditary cancer-predisposing syndrome. Last evaluated: 2024-11-01. Review status: criteria provided, single submitter. Criteria: Ambry Variant Classification Scheme 2023. Collection method: clinical testing. Allele origin: germline.
Comment: The p.P2649S variant (also known as c.7945C>T), located in coding exon 15 of the APC gene, results from a C to T substitution at nucleotide position 7945. The proline at codon 2649 is replaced by serine, an amino acid with similar properties. This amino acid position is highly conserved in available vertebrate species. In addition, in silico predictors for this gene do not accurately predict pathogenicity. Since supporting evidence is limited at this time, the clinical significance of this alteration remains unclear.

Myriad Genetics, Inc.
Classification: Uncertain significance for Familial adenomatous polyposis 1. Last evaluated: 2023-02-15. Review status: criteria provided, single submitter. Criteria: Myriad Autosomal Dominant, Autosomal Recessive and X-Linked Classification Criteria (2023). Collection method: clinical testing. Allele origin: unknown.
Comment: This variant is classified as a variant of uncertain significance as there is insufficient evidence to determine its impact on protein function and/or cancer risk.

Sema4
Classification: Uncertain significance for Hereditary cancer-predisposing syndrome. Last evaluated: 2022-01-02. Review status: criteria provided, single submitter. Criteria: Sema4 Curation Guidelines. Collection method: curation. Allele origin: germline.
Comment: The APC c.7945C>T (p.P2649S) variant has not been reported in the literature to our knowledge. This variant has not been reported in the large and broad cohorts of the Genome Aggregation Database (PMID: 32461654). This variant has been reported in ClinVar (Variation ID: 219776). Functional studies have not been performed, and in silico predictions of the variant's effect on protein function are inconclusive. The evidence is insufficient to meet ACMG/AMP criteria for classifying the variant as benign or pathogenic. Thus, the clinical significance of this variant is currently uncertain.

Counsyl
Classification: Uncertain significance for Familial adenomatous polyposis 1. Last evaluated: 2016-12-27. Review status: no assertion criteria provided. Collection method: clinical testing. Allele origin: unknown. Not counted in ClinVar's aggregate classification.